The following is an entry in ClinVar:

ClinVar aggregate classification (germline): Uncertain significance (1 of 4 stars; one submission).

Conditions:
Neurofibromatosis, type 1 (NF1). Also called: Peripheral type neurofibromatosis; VON RECKLINGHAUSEN DISEASE; Neurofibromatosis, type I; NEUROFIBROMATOSIS, TYPE I, SOMATIC. Identifiers: Orphanet 636, MedGen C0027831, MONDO:0018975, OMIM 162200. Disease mechanism: loss of function.

Submission:

Labcorp Genetics (formerly Invitae), Labcorp
Classification: Uncertain significance for Neurofibromatosis, type 1. Last evaluated: 2023-11-24. Review status: criteria provided, single submitter. Criteria: Invitae Variant Classification Sherloc (09022015). Collection method: clinical testing. Allele origin: germline.
Comment: This sequence change replaces glycine, which is neutral and non-polar, with valine, which is neutral and non-polar, at codon 1511 of the NF1 protein (p.Gly1511Val). This variant is not present in population databases (gnomAD no frequency). This variant has not been reported in the literature in individuals affected with NF1-related conditions. Advanced modeling of protein sequence and biophysical properties (such as structural, functional, and spatial information, amino acid conservation, physicochemical variation, residue mobility, and thermodynamic stability) performed at Invitae indicates that this missense variant is expected to disrupt NF1 protein function with a positive predictive value of 95%. Algorithms developed to predict the effect of sequence changes on RNA splicing suggest that this variant may disrupt the consensus splice site. In summary, the available evidence is currently insufficient to determine the role of this variant in disease. Therefore, it has been classified as a Variant of Uncertain Significance.

NM_001042492.3(NF1):c.4595G>T (p.Gly1532Val)

Gene: NF1 (neurofibromin 1; plus strand). Cytogenetic location: 17q11.2.
Variant type: single nucleotide variant.
Coding change: c.4595G>T on transcript NM_001042492.3 (MANE Select); coding-DNA position 4595, G replaced by T.
Protein change: p.Gly1532Val; replaces glycine 1532 with valine.
Molecular consequence: missense variant.
Genome position (GRCh38, 1-based): chr17:31,261,728, G>T. VCF-style: chr17-31261728-G-T. GRCh37 (hg19) VCF-style: chr17-29588746-G-T.
Other names: c.4532G>T, p.Gly1511Val (NM_000267.4); short protein forms G1511V, G1532V.
Identifiers: ClinVar variation 2698210 (VCV002698210.3), dbSNP rs2151466230, ClinGen allele CA399000154.